The following is an entry in ClinVar:

ClinVar aggregate classification (germline): Conflicting classifications of pathogenicity. Review status: criteria provided, conflicting classifications (1 of 4 stars). 9 submissions from 9 submitters: Uncertain significance (5); Likely benign (4). Last evaluated 2026-01-21.

Conditions:
BRCA2-related cancer predisposition. Identifiers: MedGen CN377758, MONDO:0700269.
Hereditary cancer-predisposing syndrome. Also called: Tumor predisposition; Hereditary Cancer Syndrome; Hereditary neoplastic syndrome; Neoplastic Syndromes, Hereditary. Identifiers: Orphanet 140162, MedGen C0027672, MeSH D009386, MONDO:0015356.
Familial cancer of breast. Also called: BREAST CANCER, FAMILIAL; hereditary breast carcinoma; Hereditary breast cancer. Identifiers: Orphanet 227535, MedGen C0346153, MONDO:0016419, OMIM 114480. Disease mechanism: loss of function.
Breast-ovarian cancer, familial, susceptibility to, 2 (BROVCA2). Also called: BRCA2 Hereditary Breast and Ovarian Cancer. Identifiers: Orphanet 145, MedGen C2675520, MONDO:0012933, OMIM 612555. Disease mechanism: loss of function.
Hereditary breast ovarian cancer syndrome. Also called: Breast and ovarian cancer; Hereditary breast and ovarian cancer syndrome; Hereditary breast and ovarian cancer; BRCA1- and BRCA2-Associated Hereditary Breast and Ovarian Cancer; Hereditary breast and ovarian cancer syndrome (HBOC); Hereditary breast and/or ovarian cancer syndrome. Identifiers: Orphanet 145, MedGen C0677776, MeSH D061325, MONDO:0003582. Disease mechanism: loss of function.

Allele frequency attached by ClinVar (database versions not stated): gnomAD exomes below 0.00001; gnomAD 0.00001.
gnomAD v4.1: 4 of 1,613,718 alleles (0.00025%); highest among the groups gnomAD compares: East Asian, 0.0067%; no homozygotes.

Submissions (9):

Women's Health and Genetics/Laboratory Corporation of America, LabCorp
Classification: Uncertain significance. Last evaluated: 2026-01-21. Review status: criteria provided, single submitter. Criteria: LabCorp Variant Classification Summary - May 2015. Collection method: clinical testing. Allele origin: germline.
Comment: Variant summary: BRCA2 c.1624A>G (p.Ile542Val) results in a conservative amino acid change in the encoded protein sequence. Algorithms developed to predict the effect of missense changes on protein structure and function all suggest that this variant is likely to be tolerated. The variant allele was found at a frequency of 4e-06 in 250804 control chromosomes. The available data on variant occurrences in the general population are insufficient to allow any conclusion about variant significance. c.1624A>G has been observed in individual(s) affected with Hereditary Breast And Ovarian Cancer Syndrome (Davidson_2024) without evidence for causality. These report(s) do not provide unequivocal conclusions about association of the variant with Hereditary Breast And Ovarian Cancer Syndrome. To our knowledge, no experimental evidence demonstrating an impact on protein function has been reported. The following publication have been ascertained in the context of this evaluation (PMID: 39096911). ClinVar contains an entry for this variant (Variation ID: 182185). Based on the evidence outlined above, the variant was classified as uncertain significance.

Labcorp Genetics (formerly Invitae), Labcorp
Classification: Uncertain significance for Hereditary breast ovarian cancer syndrome. Last evaluated: 2026-01-07. Review status: criteria provided, single submitter. Criteria: Invitae Variant Classification Sherloc (09022015). Collection method: clinical testing. Allele origin: germline.
Comment: This sequence change replaces isoleucine, which is neutral and non-polar, with valine, which is neutral and non-polar, at codon 542 of the BRCA2 protein (p.Ile542Val). This variant is present in population databases (rs730881511, gnomAD 0.01%). This missense change has been observed in individual(s) with breast cancer (PMID: 39096911). ClinVar contains an entry for this variant (Variation ID: 182185). Invitae Evidence Modeling of protein sequence and biophysical properties (such as structural, functional, and spatial information, amino acid conservation, physicochemical variation, residue mobility, and thermodynamic stability) indicates that this missense variant is not expected to disrupt BRCA2 protein function with a negative predictive value of 95%. In summary, the available evidence is currently insufficient to determine the role of this variant in disease. Therefore, it has been classified as a Variant of Uncertain Significance.

Quest Diagnostics Nichols Institute San Juan Capistrano
Classification: Uncertain significance. Last evaluated: 2025-10-24. Review status: criteria provided, single submitter. Criteria: Quest Diagnostics criteria. Collection method: clinical testing. Allele origin: unknown.
Comment: The BRCA2 c.1624A>G (p.Ile542Val) variant has been reported in the published literature in a large-scale breast cancer association study, where the variant was observed in individuals with breast cancer (PMID: 33471991 (2021), see also LOVD). Additionally, this variant has been reported in a region of the BRCA2 gene that is tolerant to missense sequence changes (PMID: 31911673 (2020)). The frequency of this variant in the general population (Genome Aggregation Database) is uninformative in the assessment of its pathogenicity. Analysis of this variant using bioinformatics tools for the prediction of the effect of amino acid changes on protein structure and function yielded predictions that this variant is benign. Based on the available information, we are unable to determine the clinical significance of this variant.

All of Us Research Program, National Institutes of Health
Classification: Uncertain significance for BRCA2-related cancer predisposition. Last evaluated: 2024-05-30. Review status: criteria provided, single submitter. Criteria: ACMG Guidelines, 2015. Collection method: clinical testing. Allele origin: germline. Inheritance: Autosomal dominant inheritance. Observed: 3 variant alleles, 3 heterozygotes.
Comment: This missense variant replaces isoleucine with valine at codon 542 of the BRCA2 protein. Computational prediction suggests that this variant may not impact protein structure and function (internally defined REVEL score threshold <= 0.5, PMID: 27666373). Splice site prediction tools suggest that this variant may not impact RNA splicing. To our knowledge, functional studies have not been performed for this variant. This variant has not been reported in individuals affected with hereditary cancer in the literature. This variant has been identified in 2/282200 chromosomes in the general population by the Genome Aggregation Database (gnomAD). The available evidence is insufficient to determine the role of this variant in disease conclusively. Therefore, this variant is classified as a Variant of Uncertain Significance.

This study involves interpretation of variants in research participants for the purpose of population health screening. Participant phenotype was not available at the time of variant classification. Additional details can be found in publication PMID: 35346344, PMCID: PMC8962531

Color Diagnostics, LLC DBA Color Health
Classification: Uncertain significance for Hereditary cancer-predisposing syndrome. Last evaluated: 2024-05-15. Review status: criteria provided, single submitter. Criteria: ACMG Guidelines, 2015. Collection method: clinical testing. Allele origin: germline.
Comment: This missense variant replaces isoleucine with valine at codon 542 of the BRCA2 protein. Computational prediction suggests that this variant may not impact protein structure and function. To our knowledge, functional studies have not been performed for this variant. This variant has been reported in individuals affected with breast cancer (PMID: 33471991; Leiden Open Variation Database DB-ID BRCA2_007853). This variant has been identified in 2/282200 chromosomes in the general population by the Genome Aggregation Database (gnomAD). The available evidence is insufficient to determine the role of this variant in disease conclusively. Therefore, this variant is classified as a Variant of Uncertain Significance.

Department of Pathology and Laboratory Medicine, Sinai Health System
Classification: Likely benign for Familial cancer of breast; Breast-ovarian cancer, familial, susceptibility to, 2. Last evaluated: 2024-03-18. Review status: criteria provided, single submitter. Criteria: ACMG Guidelines, 2015. Collection method: clinical testing. Allele origin: germline. Affected: yes.

University of Washington Department of Laboratory Medicine, University of Washington
Classification: Likely benign for Hereditary cancer-predisposing syndrome. Last evaluated: 2023-03-23. Review status: criteria provided, single submitter. Criteria: Dines et al. (Genet Med. 2020). Collection method: curation. Allele origin: germline.
Comment: Missense variant in a coldspot region where missense variants are very unlikely to be pathogenic (PMID:31911673).

BRCA2 exon 10 coldspot. Reclassification based on statistical prior probability.

GeneDx
Classification: Likely benign. Last evaluated: 2019-11-11. Review status: criteria provided, single submitter. Criteria: GeneDx Variant Classification Process June 2021. Collection method: clinical testing. Allele origin: germline. Affected: yes.

Ambry Genetics
Classification: Likely benign for Hereditary cancer-predisposing syndrome. Last evaluated: 2017-09-07. Review status: criteria provided, single submitter. Criteria: Ambry Variant Classification Scheme 2023. Collection method: clinical testing. Allele origin: germline.

Literature cited by the submitters: PubMed 39096911 (cited by Women's Health and Genetics/Laboratory Corporation of America, LabCorp and Labcorp Genetics (formerly Invitae), Labcorp); PubMed 31911673 (cited by Quest Diagnostics Nichols Institute San Juan Capistrano); PubMed 33471991 (cited by 3 submitters).

NM_000059.4(BRCA2):c.1624A>G (p.Ile542Val)

Gene: BRCA2 (BRCA2 DNA repair associated; plus strand). Cytogenetic location: 13q13.1.
Variant type: single nucleotide variant.
Coding change: c.1624A>G on transcript NM_000059.4 (MANE Select); coding-DNA position 1624, A replaced by G.
Protein change: p.Ile542Val; replaces isoleucine 542 with valine.
Molecular consequence: missense variant.
Genome position (GRCh38, 1-based): chr13:32,333,102, A>G. VCF-style: chr13-32333102-A-G. GRCh37 (hg19) VCF-style: chr13-32907239-A-G.
Other names: p.I542V:ATA>GTA; short protein forms I542V.
Identifiers: ClinVar variation 182185 (VCV000182185.31), dbSNP rs730881511, ClinGen allele CA012652.